The following is an entry in ClinVar:

ClinVar aggregate classification (germline): Conflicting classifications of pathogenicity. Review status: criteria provided, conflicting classifications (1 of 4 stars). 5 submissions from 5 submitters: Uncertain significance (4); Likely benign (1). Last evaluated 2026-01-21.

Conditions:
Muscular dystrophy, limb-girdle, autosomal recessive 23. Identifiers: Orphanet 565837, MedGen C4748327, MONDO:0029136, OMIM 618138.
Merosin deficient congenital muscular dystrophy (MDC1A). Also called: Congenital merosin-deficient muscular dystrophy 1A; Congenital Muscular Dystrophy Type 1A (MDC1A). Identifiers: Orphanet 258, MedGen C1263858, MONDO:0011925, OMIM 607855.
LAMA2-related muscular dystrophy (LAMA2-RD). Also called: Laminin alpha 2-related dystrophy. Identifiers: MedGen C5679788, MONDO:0100228.

Allele frequency attached by ClinVar (database versions not stated): ESP Exome Variant Server 0.00008; TOPMed 0.00008; gnomAD 0.00013 and 0.00014; gnomAD exomes 0.00016 and 0.00017; ExAC 0.00022.
gnomAD v4.1: 263 of 1,613,438 alleles (0.016%); highest among the groups gnomAD compares: Non-Finnish European, 0.021%; 1 homozygote.

Submissions (5):

Labcorp Genetics (formerly Invitae), Labcorp
Classification: Likely benign for LAMA2-related muscular dystrophy. Last evaluated: 2026-01-21. Review status: criteria provided, single submitter. Criteria: Invitae Variant Classification Sherloc (09022015). Collection method: clinical testing. Allele origin: germline.

Revvity Omics, Revvity
Classification: Uncertain significance. Last evaluated: 2021-04-05. Review status: criteria provided, single submitter. Criteria: ACMG Guidelines, 2015. Collection method: clinical testing. Allele origin: germline.

Fulgent Genetics
Classification: Uncertain significance for Merosin deficient congenital muscular dystrophy; Muscular dystrophy, limb-girdle, autosomal recessive 23. Last evaluated: 2018-10-31. Review status: criteria provided, single submitter. Criteria: ACMG Guidelines, 2015. Collection method: clinical testing. Allele origin: unknown.

Athena Diagnostics
Classification: Uncertain significance. Last evaluated: 2016-08-22. Review status: criteria provided, single submitter. Criteria: Athena Diagnostics Criteria. Collection method: clinical testing. Allele origin: germline.

Eurofins Ntd Llc (ga)
Classification: Uncertain significance. Last evaluated: 2014-12-18. Review status: criteria provided, single submitter. Criteria: EGL Classification Definitions 2015. Collection method: clinical testing. Allele origin: germline. Observed: 1 variant allele, 1 heterozygote.

Literature cited by the submitters: PubMed 26607181 (cited by Athena Diagnostics).

NM_000426.4(LAMA2):c.4969G>A (p.Val1657Met)

Gene: LAMA2 (laminin subunit alpha 2; plus strand). Cytogenetic location: 6q22.33.
Variant type: single nucleotide variant.
Coding change: c.4969G>A on transcript NM_000426.4 (MANE Select); coding-DNA position 4969, G replaced by A.
Protein change: p.Val1657Met; replaces valine 1657 with methionine.
Molecular consequence: missense variant.
Genome position (GRCh38, 1-based): chr6:129,383,131, G>A. VCF-style: chr6-129383131-G-A. GRCh37 (hg19) VCF-style: chr6-129704276-G-A.
Other names: c.4969G>A, p.Val1657Met (NM_001079823.2); short protein forms V1657M.
Identifiers: ClinVar variation 196937 (VCV000196937.16), dbSNP rs370971334, ClinGen allele CA244760.